The following is an entry in ClinVar:

ClinVar aggregate classification (germline): Likely pathogenic. Review status: criteria provided, multiple submitters, no conflicts (2 of 4 stars). 4 submissions from 4 submitters: Likely pathogenic (4). Last evaluated 2025-03-28.

Conditions:
Pendred syndrome (PDS). Also called: THYROID DYSHORMONOGENESIS 2B; THYROID HORMONOGENESIS, GENETIC DEFECT IN, 2B; Pendred Syndrome (PDS); DEAFNESS WITH GOITER; GOITER-DEAFNESS SYNDROME; HYPOTHYROIDISM, CONGENITAL, DUE TO DYSHORMONOGENESIS, 2B. Identifiers: Orphanet 705, MedGen C0271829, MONDO:0010134, OMIM 274600.
Autosomal recessive nonsyndromic hearing loss 4 (DFNB4). Also called: FOXI1-Related Pendred Syndrome; KCNJ10-Related Pendred Syndrome; NEUROSENSORY NONSYNDROMIC RECESSIVE DEAFNESS 4; Deafness, autosomal recessive 4; Nonsyndromic enlarged vestibular aqueduct (NSEVA); DEAFNESS, AUTOSOMAL RECESSIVE 4, WITH ENLARGED VESTIBULAR AQUEDUCT, DIGENIC. Identifiers: Orphanet 90636, MedGen C3538946, MONDO:0010933, OMIM 600791.

Allele frequency attached by ClinVar (database versions not stated): gnomAD exomes below 0.00001.
gnomAD v4.1: 1 of 1,599,804 alleles (0.000063%); highest among the groups gnomAD compares: Non-Finnish European, 0.000086%; no homozygotes.

Submissions (4):

Natera, Inc.
Classification: Likely pathogenic for Pendred syndrome. Last evaluated: 2025-03-28. Review status: criteria provided, single submitter. Criteria: Natera Variant Classification Schema (03/2026). Collection method: clinical testing. Allele origin: germline.
Comment: The c.1717G>T variant in SLC26A4 is a missense variant predicted to cause substitution of aspartic acid to tyrosine at amino acid 573. This variant is rare in the general population with a frequency below the threshold expected for the associated phenotype(s). This variant has been observed in one or more individuals affected with the associated recessive disease, as either homozygous or compound heterozygous with a second variant (PMID: 17718863, 26445815). Computational prediction algorithms indicate this variant is likely to affect gene or protein function. Given the available evidence, this variant is classified as Likely Pathogenic.

Women's Health and Genetics/Laboratory Corporation of America, LabCorp
Classification: Likely pathogenic for Pendred syndrome. Last evaluated: 2024-10-09. Review status: criteria provided, single submitter. Criteria: LabCorp Variant Classification Summary - May 2015. Collection method: clinical testing. Allele origin: germline.
Comment: Variant summary: SLC26A4 c.1717G>T (p.Asp573Tyr) results in a non-conservative amino acid change located in the STAS domain (IPR002645) of the encoded protein sequence. Five of five in-silico tools predict a damaging effect of the variant on protein function. The variant was absent in 251084 control chromosomes. c.1717G>T has been reported in the literature in individuals affected with Pendred Syndrome and related conditions (Sloan-Heggen_2015, Wang_2007). These data indicate that the variant is likely to be associated with disease. To our knowledge, no experimental evidence demonstrating an impact on protein function has been reported. The following publications have been ascertained in the context of this evaluation (PMID: 26445815, 17718863). ClinVar contains an entry for this variant (Variation ID: 2678941). Based on the evidence outlined above, the variant was classified as likely pathogenic.

Baylor Genetics
Classification: Likely pathogenic for Autosomal recessive nonsyndromic hearing loss 4. Last evaluated: 2022-07-05. Review status: criteria provided, single submitter. Criteria: ACMG Guidelines, 2015. Collection method: clinical testing. Allele origin: unknown.

Genetics Research Center, University of Social Welfare and Rehabilitation Sciences
Classification: Likely pathogenic for Autosomal recessive nonsyndromic hearing loss 4. Review status: criteria provided, single submitter. Criteria: ACMG Guidelines, 2015. Collection method: research. Allele origin: germline. Affected: yes.
Comment: The variant is not present in the gnomAD v2.1.1 dataset and has been previously reported in individual(s) affected with SLC26A4-related hearing loss (PMID:26445815, 17718863). The variant is predicted to be damaging by multiple in-silico tools.

Literature cited by the submitters: PubMed 17718863 (cited by 3 submitters); PubMed 26445815 (cited by 3 submitters).

NM_000441.2(SLC26A4):c.1717G>T (p.Asp573Tyr)

Gene: SLC26A4 (solute carrier family 26 member 4; plus strand). Cytogenetic location: 7q22.3.
Variant type: single nucleotide variant.
Coding change: c.1717G>T on transcript NM_000441.2 (MANE Select); coding-DNA position 1717, G replaced by T.
Protein change: p.Asp573Tyr; replaces aspartic acid 573 with tyrosine.
Molecular consequence: missense variant.
Genome position (GRCh38, 1-based): chr7:107,701,110, G>T. VCF-style: chr7-107701110-G-T. GRCh37 (hg19) VCF-style: chr7-107341555-G-T.
Other names: c.1717G>T (NM_000441.1); short protein forms D573Y.
Identifiers: ClinVar variation 2678941 (VCV002678941.5), dbSNP rs2535336810, ClinGen allele CA368842835.
Genomic context (GRCh38, chr7:107,701,110, plus strand): 5'-ATAAGCTTTAGGTGCCAGGCATTTTAAGTAACTTGACATTTATTTCCAAAGGTTGGATTT[G>T]ATGCCATTAGAGTATATAATAAGAGGCTGAAAGCGCTGAGGAAAATACAGAAACTAATAA-3'
Protein context (NP_000432.1, residues 563-583): KKCIKSTVGF[Asp573Tyr]AIRVYNKRLK